The following is an entry in ClinVar:

ClinVar aggregate classification (germline): Uncertain significance (1 of 4 stars; one submission).

Allele frequency attached by ClinVar (database versions not stated): gnomAD exomes below 0.00001 and 0.00001; gnomAD 0.00001.
gnomAD v4.1: 3 of 1,608,220 alleles (0.00019%); highest among the groups gnomAD compares: Admixed American, 0.0034%; no homozygotes.

Submission:

Labcorp Genetics (formerly Invitae), Labcorp
Classification: Uncertain significance. Last evaluated: 2024-07-17. Review status: criteria provided, single submitter. Criteria: Invitae Variant Classification Sherloc (09022015). Collection method: clinical testing. Allele origin: germline.
Comment: This sequence change replaces leucine, which is neutral and non-polar, with phenylalanine, which is neutral and non-polar, at codon 1242 of the CRB2 protein (p.Leu1242Phe). This variant is present in population databases (no rsID available, gnomAD 0.006%). This variant has not been reported in the literature in individuals affected with CRB2-related conditions. ClinVar contains an entry for this variant (Variation ID: 1042048). An algorithm developed to predict the effect of missense changes on protein structure and function (PolyPhen-2) suggests that this variant is likely to be disruptive. In summary, the available evidence is currently insufficient to determine the role of this variant in disease. Therefore, it has been classified as a Variant of Uncertain Significance.

NM_173689.7(CRB2):c.3724C>T (p.Leu1242Phe)

Gene: CRB2 (crumbs cell polarity complex component 2; plus strand). Cytogenetic location: 9q33.3.
Variant type: single nucleotide variant.
Coding change: c.3724C>T on transcript NM_173689.7 (MANE Select); coding-DNA position 3724, C replaced by T.
Protein change: p.Leu1242Phe; replaces leucine 1242 with phenylalanine.
Molecular consequence: missense variant. On other transcripts: non-coding transcript variant (1).
Genome position (GRCh38, 1-based): chr9:123,376,928, C>T. VCF-style: chr9-123376928-C-T. GRCh37 (hg19) VCF-style: chr9-126139207-C-T.
Other names: short protein forms L1242F.
Identifiers: ClinVar variation 1042048 (VCV001042048.8), dbSNP rs1419955317, ClinGen allele CA374869688.
Genomic context (GRCh38, chr9:123,376,928, plus strand): 5'-CTGCTGGAGGTGGCCGTACCTGCAGCCTGTGCCTGCCTCCTCCTCCTCCTCCTGGGCCTC[C>T]TTTCAGGGATCCTGGCAGCCCGAAAGCGCCGCCAGTCTGAGGGCACCTACAGCCCAAGCC-3'
Protein context (NP_775960.4, residues 1232-1252): ACLLLLLLGL[Leu1242Phe]SGILAARKRR